The following is an entry in ClinVar:

NM_000392.5(ABCC2):c.2366C>T (p.Ser789Phe)

Gene: ABCC2 (ATP binding cassette subfamily C member 2; plus strand). Cytogenetic location: 10q24.2.
Variant type: single nucleotide variant.
Coding change: c.2366C>T on transcript NM_000392.5 (MANE Select); coding-DNA position 2366, C replaced by T.
Protein change: p.Ser789Phe; replaces serine 789 with phenylalanine.
Molecular consequence: missense variant.
Genome position (GRCh38, 1-based): chr10:99,818,884, C>T. VCF-style: chr10-99818884-C-T. GRCh37 (hg19) VCF-style: chr10-101578641-C-T.
Other names: c.2366C>T (NM_000392.4); short protein forms S789F.
Identifiers: ClinVar variation 879428 (VCV000879428.13), dbSNP rs56220353, ClinGen allele CA5643461.

ClinVar aggregate classification (germline): Conflicting classifications of pathogenicity. Review status: criteria provided, conflicting classifications (1 of 4 stars). 3 submissions from 3 submitters: Uncertain significance (1); Benign (1). 1 of the submissions does not count toward it. Last evaluated 2026-01-12.

Conditions:
ABCC2-related disorder. Also called: ABCC2-related condition.
Dubin-Johnson syndrome (DJS). Also called: Jaundice, Chronic Idiopathic; Hyperbilirubinemia type 2; HYPERBILIRUBINEMIA, DUBIN-JOHNSON TYPE. Identifiers: Orphanet 234, MedGen C0022350, MONDO:0009380, OMIM 237500.

Allele frequency attached by ClinVar (database versions not stated): gnomAD 0.00017 and 0.00027; gnomAD exomes 0.00027 and 0.00063; TOPMed 0.00045; ExAC 0.00068; 1000 Genomes Project 30x 0.00172; 1000 Genomes Project 0.00180.
gnomAD v4.1: 428 of 1,614,160 alleles (0.027%); highest among the groups gnomAD compares: East Asian, 0.92%; 1 homozygote.

Submissions (3):

Labcorp Genetics (formerly Invitae), Labcorp
Classification: Benign. Last evaluated: 2026-01-12. Review status: criteria provided, single submitter. Criteria: Invitae Variant Classification Sherloc (09022015). Collection method: clinical testing. Allele origin: germline.

Illumina Laboratory Services, Illumina
Classification: Uncertain significance for Dubin-Johnson syndrome. Last evaluated: 2017-04-27. Review status: criteria provided, single submitter. Criteria: ICSL Variant Classification Criteria 13 December 2019. Collection method: clinical testing. Allele origin: germline.
Comment: This variant was observed as part of a predisposition screen in an ostensibly healthy population. A literature search was performed for the gene, cDNA change, and amino acid change (where applicable). Publications were found based on this search. However, the evidence from the literature, in combination with allele frequency data from public databases where available, was not sufficient to rule this variant in or out of causing disease. Therefore, this variant is classified as a variant of unknown significance.

PreventionGenetics, part of Exact Sciences
Classification: Likely benign for ABCC2-related condition. Last evaluated: 2019-04-01. Review status: no assertion criteria provided. Collection method: clinical testing. Allele origin: germline. Not counted in ClinVar's aggregate classification.
Comment: This variant is classified as likely benign based on ACMG/AMP sequence variant interpretation guidelines (Richards et al. 2015 PMID: 25741868, with internal and published modifications).

Literature cited by the submitters: PubMed 20849526 (cited by Illumina Laboratory Services, Illumina); PubMed 11901087 (cited by Illumina Laboratory Services, Illumina); PubMed 11266082 (cited by Illumina Laboratory Services, Illumina); PubMed 15180328 (cited by Illumina Laboratory Services, Illumina); PubMed 21691255 (cited by Illumina Laboratory Services, Illumina); PubMed 15519273 (cited by Illumina Laboratory Services, Illumina); PubMed 18334920 (cited by Illumina Laboratory Services, Illumina); PubMed 18445995 (cited by Illumina Laboratory Services, Illumina).